The following is an entry in ClinVar:

ClinVar aggregate classification (germline): Uncertain significance (1 of 4 stars; one submission).

Submission:

GeneDx
Classification: Uncertain significance. Last evaluated: 2023-11-29. Review status: criteria provided, single submitter. Criteria: GeneDx Variant Classification Process June 2021. Collection method: clinical testing. Allele origin: germline. Affected: yes.
Comment: Not observed at significant frequency in large population cohorts (gnomAD); In silico analysis supports that this missense variant does not alter protein structure/function; Has not been previously published as pathogenic or benign to our knowledge

NM_001105247.2(ARMC5):c.481A>G (p.Ile161Val)

Gene: ARMC5 (armadillo repeat containing 5; plus strand). Cytogenetic location: 16p11.2.
Variant type: single nucleotide variant.
Coding change: c.481A>G on transcript NM_001105247.2 (MANE Select); coding-DNA position 481, A replaced by G.
Protein change: p.Ile161Val; replaces isoleucine 161 with valine.
Molecular consequence: missense variant.
Genome position (GRCh38, 1-based): chr16:31,461,927, A>G. VCF-style: chr16-31461927-A-G. GRCh37 (hg19) VCF-style: chr16-31473248-A-G.
Other names: c.766A>G, p.Ile256Val (NM_001288767.2); c.577A>G, p.Ile193Val (NM_001301820.1); c.481A>G, p.Ile161Val (NM_024742.2); short protein forms I161V, I193V, I256V.
Identifiers: ClinVar variation 3364741 (VCV003364741.1).
Genomic context (GRCh38, chr16:31,461,927, plus strand): 5'-TGATGTGAGAGACAGTAAGGGGTAGAACCCTCACAAGCCCAAACTGTCGTTGCAGTGACC[A>G]TTCTTCAGTGCATGAAGACAGACAGCATCCAGAACCGAACGGCCCGTGCCCTGGGGAACT-3'
Protein context (NP_001098717.1, residues 151-171): RLGGILPLVT[Ile161Val]LQCMKTDSIQ